The following is an entry in ClinVar:

NM_000439.5(PCSK1):c.986T>C (p.Ile329Thr)

Genes: CAST (calpastatin; plus strand), PCSK1 (proprotein convertase subtilisin/kexin type 1; minus strand), LOC101929710 (uncharacterized LOC101929710; plus strand). Cytogenetic location: 5q15.
Variant type: single nucleotide variant.
Coding change: c.986T>C on transcript NM_000439.5 (MANE Select); coding-DNA position 986, T replaced by C.
Protein change: p.Ile329Thr; replaces isoleucine 329 with threonine.
Molecular consequence: missense variant.
Genome position (GRCh38, 1-based): chr5:96,410,883, A>G on the plus strand (T>C on the coding strand, the complement: PCSK1 is on the minus strand). VCF-style: chr5-96410883-A-G. GRCh37 (hg19) VCF-style: chr5-95746587-A-G.
Other names: c.986T>C (NM_000439.4); c.845T>C, p.Ile282Thr (NM_001177875.2); short protein forms I282T, I329T.
Identifiers: ClinVar variation 1399362 (VCV001399362.10), dbSNP rs2112419704, ClinGen allele CA360481473.

ClinVar aggregate classification (germline): Uncertain significance. Review status: criteria provided, multiple submitters, no conflicts (2 of 4 stars). 3 submissions from 3 submitters: Uncertain significance (2). 1 of the submissions does not count toward it. Last evaluated 2023-12-28.

Conditions:
PCSK1-related disorder. Also called: PCSK1-related condition.
Inborn genetic diseases. Identifiers: MedGen C0950123, MeSH D030342.

Allele frequency attached by ClinVar (database versions not stated): gnomAD exomes below 0.00001.
gnomAD v4.1: 4 of 1,613,958 alleles (0.00025%); highest among the groups gnomAD compares: Non-Finnish European, 0.00034%; no homozygotes.

Submissions (3):

Ambry Genetics
Classification: Uncertain significance for Inborn genetic diseases. Last evaluated: 2023-12-28. Review status: criteria provided, single submitter. Criteria: Ambry Variant Classification Scheme 2023. Collection method: clinical testing. Allele origin: germline.

Labcorp Genetics (formerly Invitae), Labcorp
Classification: Uncertain significance. Last evaluated: 2021-05-30. Review status: criteria provided, single submitter. Criteria: Invitae Variant Classification Sherloc (09022015). Collection method: clinical testing. Allele origin: germline.
Comment: This sequence change replaces isoleucine with threonine at codon 329 of the PCSK1 protein (p.Ile329Thr). The isoleucine residue is highly conserved and there is a moderate physicochemical difference between isoleucine and threonine. This variant is not present in population databases (ExAC no frequency). This variant has not been reported in the literature in individuals with PCSK1-related conditions. Algorithms developed to predict the effect of missense changes on protein structure and function (SIFT, PolyPhen-2, Align-GVGD) all suggest that this variant is likely to be disruptive, but these predictions have not been confirmed by published functional studies and their clinical significance is uncertain. In summary, the available evidence is currently insufficient to determine the role of this variant in disease. Therefore, it has been classified as a Variant of Uncertain Significance.

PreventionGenetics, part of Exact Sciences
Classification: Uncertain significance for PCSK1-related condition. Last evaluated: 2024-03-13. Review status: no assertion criteria provided. Collection method: clinical testing. Allele origin: germline. Not counted in ClinVar's aggregate classification.
Comment: The PCSK1 c.986T>C variant is predicted to result in the amino acid substitution p.Ile329Thr. To our knowledge, this variant has not been reported in the literature or in a large population database, indicating this variant is rare. At this time, the clinical significance of this variant is uncertain due to the absence of conclusive functional and genetic evidence.